The following is an entry in ClinVar:

NM_001379500.1(COL18A1):c.*1129A>C

Genes: SLC19A1 (solute carrier family 19 member 1; minus strand), COL18A1 (collagen type XVIII alpha 1 chain; plus strand). Cytogenetic location: 21q22.3.
Variant type: single nucleotide variant.
Coding change: c.*1129A>C on transcript NM_001379500.1 (MANE Select); 1129 bases downstream of the stop codon, A replaced by C.
Molecular consequence: 3 prime UTR variant.
Genome position (GRCh38, 1-based): chr21:45,513,527, A>C. VCF-style: chr21-45513527-A-C. GRCh37 (hg19) VCF-style: chr21-46933441-A-C.
Other names: NM_130445.2:c.*1129A>C; c.*1449T>G (NM_001205206.4, NM_001352511.3); c.*2131T>G (NM_001205207.3, NM_001352510.2, NM_001352512.2 and 1 more transcripts); c.*1129A>C (NM_030582.4, NM_130444.3).
Identifiers: ClinVar variation 340300 (VCV000340300.5), dbSNP rs576842258, ClinGen allele CA10653060.

ClinVar aggregate classification (germline): Benign (1 of 4 stars; one submission).

Conditions:
Knobloch syndrome (KNO). Also called: RETINAL DETACHMENT AND OCCIPITAL ENCEPHALOCELE; Myopia retinal detachment encephalocele. Identifiers: Orphanet 1571, MedGen C1849409, MONDO:0800166.

Allele frequency attached by ClinVar (database versions not stated): gnomAD 0.00001 and 0.00056; TOPMed 0.00006; 1000 Genomes Project 30x 0.00390; 1000 Genomes Project 0.00419.

Submission:

Illumina Laboratory Services, Illumina
Classification: Benign for Knobloch syndrome 1. Last evaluated: 2018-01-13. Review status: criteria provided, single submitter. Criteria: ICSL Variant Classification Criteria 13 December 2019. Collection method: clinical testing. Allele origin: germline.
Comment: This variant was observed in the ICSL laboratory as part of a predisposition screen in an ostensibly healthy population. It had not been previously curated by ICSL or reported in the Human Gene Mutation Database (HGMD: prior to June 1st, 2018), and was therefore a candidate for classification through an automated scoring system. Utilizing variant allele frequency, disease prevalence and penetrance estimates, and inheritance mode, an automated score was calculated to assess if this variant is too frequent to cause the disease. Based on the score and internal cut-off values, a variant classified as benign is not then subjected to further curation. The score for this variant resulted in a classification of benign for this disease.